The following is an entry in ClinVar:

NM_020822.3(KCNT1):c.400G>T (p.Val134Phe)

Gene: KCNT1 (potassium sodium-activated channel subfamily T member 1; plus strand). Cytogenetic location: 9q34.3.
Variant type: single nucleotide variant.
Coding change: c.400G>T on transcript NM_020822.3 (MANE Select); coding-DNA position 400, G replaced by T.
Protein change: p.Val134Phe; replaces valine 134 with phenylalanine.
Molecular consequence: missense variant.
Genome position (GRCh38, 1-based): chr9:135,751,007, G>T. VCF-style: chr9-135751007-G-T. GRCh37 (hg19) VCF-style: chr9-138642853-G-T.
Other names: c.256G>T, p.Val86Phe (NM_001272003.2); short protein forms V134F, V86F.
Identifiers: ClinVar variation 944093 (VCV000944093.11), dbSNP rs766663683, ClinGen allele CA375495017.

ClinVar aggregate classification (germline): Uncertain significance. Review status: criteria provided, multiple submitters, no conflicts (2 of 4 stars). 2 submissions from 2 submitters: Uncertain significance (2). Last evaluated 2025-08-04.

Conditions:
Autosomal dominant nocturnal frontal lobe epilepsy 5. Also called: KCNT1-Related Epilepsy; CILIARY DYSKINESIA, PRIMARY, 28, WITHOUT SITUS INVERSUS; CILIARY DYSKINESIA, PRIMARY, 28, WITH SITUS INVERSUS; Epilepsy, nocturnal frontal lobe, 5. Identifiers: Orphanet 98784, MedGen C3554306, MONDO:0014002, OMIM 615005.
Developmental and epileptic encephalopathy, 14 (DEE14). Also called: Early infantile epileptic encephalopathy 14. Identifiers: Orphanet 293181, MedGen C3554195, MONDO:0013989, OMIM 614959.

Submissions (2):

Labcorp Genetics (formerly Invitae), Labcorp
Classification: Uncertain significance for Autosomal dominant nocturnal frontal lobe epilepsy 5; Developmental and epileptic encephalopathy, 14. Last evaluated: 2025-08-04. Review status: criteria provided, single submitter. Criteria: Invitae Variant Classification Sherloc (09022015). Collection method: clinical testing. Allele origin: germline.
Comment: This sequence change replaces valine, which is neutral and non-polar, with phenylalanine, which is neutral and non-polar, at codon 134 of the KCNT1 protein (p.Val134Phe). This variant is not present in population databases (gnomAD no frequency). This variant has not been reported in the literature in individuals affected with KCNT1-related conditions. ClinVar contains an entry for this variant (Variation ID: 944093). Invitae Evidence Modeling of protein sequence and biophysical properties (such as structural, functional, and spatial information, amino acid conservation, physicochemical variation, residue mobility, and thermodynamic stability) has been performed for this missense variant. However, the output from this modeling did not meet the statistical confidence thresholds required to predict the impact of this variant on KCNT1 protein function. In summary, the available evidence is currently insufficient to determine the role of this variant in disease. Therefore, it has been classified as a Variant of Uncertain Significance.

GeneDx
Classification: Uncertain significance. Last evaluated: 2024-02-26. Review status: criteria provided, single submitter. Criteria: GeneDx Variant Classification Process June 2021. Collection method: clinical testing. Allele origin: germline. Affected: yes.
Comment: Not observed at significant frequency in large population cohorts (gnomAD); In silico analysis supports that this missense variant has a deleterious effect on protein structure/function; Has not been previously published as pathogenic or benign to our knowledge